The following is an entry in ClinVar:

NM_000094.4(COL7A1):c.7972A>C (p.Lys2658Gln)

Gene: COL7A1 (collagen type VII alpha 1 chain; minus strand). Cytogenetic location: 3p21.31.
Variant type: single nucleotide variant.
Coding change: c.7972A>C on transcript NM_000094.4 (MANE Select); coding-DNA position 7972, A replaced by C.
Protein change: p.Lys2658Gln; replaces lysine 2658 with glutamine.
Molecular consequence: missense variant.
Genome position (GRCh38, 1-based): chr3:48,567,721, T>G on the plus strand (A>C on the coding strand, the complement: COL7A1 is on the minus strand). VCF-style: chr3-48567721-T-G. GRCh37 (hg19) VCF-style: chr3-48605154-T-G.
Other names: short protein forms K2658Q.
Identifiers: ClinVar variation 2782337 (VCV002782337.3), dbSNP rs2530825589, ClinGen allele CA352641247.
Genomic context (GRCh38, chr3:48,567,721, plus strand): 5'-GGCCCCCGTCCACCCGTGGCCCCCTCATTCTGAGCGTGCCCACACTCACCATCTCTCCTT[T>G]GTGTCCTGCCAGCCCGGGGCGGCCTGGGGGACCAGCTTCTCCCTGCAGGCATCAGGCAGT-3'
Protein context (NP_000085.1, residues 2648-2668): PPGRPGLAGH[Lys2658Gln]GEMGEPGVPG

ClinVar aggregate classification (germline): Uncertain significance (1 of 4 stars; one submission).

Submission:

Labcorp Genetics (formerly Invitae), Labcorp
Classification: Uncertain significance. Last evaluated: 2023-11-25. Review status: criteria provided, single submitter. Criteria: Invitae Variant Classification Sherloc (09022015). Collection method: clinical testing. Allele origin: germline.
Comment: This sequence change replaces lysine, which is basic and polar, with glutamine, which is neutral and polar, at codon 2658 of the COL7A1 protein (p.Lys2658Gln). This variant is not present in population databases (gnomAD no frequency). This variant has not been reported in the literature in individuals affected with COL7A1-related conditions. Advanced modeling of protein sequence and biophysical properties (such as structural, functional, and spatial information, amino acid conservation, physicochemical variation, residue mobility, and thermodynamic stability) performed at Invitae indicates that this missense variant is not expected to disrupt COL7A1 protein function with a negative predictive value of 95%. In summary, the available evidence is currently insufficient to determine the role of this variant in disease. Therefore, it has been classified as a Variant of Uncertain Significance.